The following is an entry in ClinVar:

NM_007294.4(BRCA1):c.766A>C (p.Arg256=)

Gene: BRCA1 (BRCA1 DNA repair associated; minus strand). Cytogenetic location: 17q21.31.
Variant type: single nucleotide variant.
Coding change: c.766A>C on transcript NM_007294.4 (MANE Select); coding-DNA position 766, A replaced by C.
Protein change: p.Arg256=; no amino-acid change (arginine 256 retained).
Molecular consequence: synonymous variant. On other transcripts: intron variant (13), 5 prime UTR variant (2).
Genome position (GRCh38, 1-based): chr17:43,094,765, T>G on the plus strand (A>C on the coding strand, the complement: BRCA1 is on the minus strand). VCF-style: chr17-43094765-T-G. GRCh37 (hg19) VCF-style: chr17-41246782-T-G.
Other names: c.763A>C, p.Arg255= (NM_001407991.1, NM_001407992.1, NM_001408392.1 and 38 more transcripts); c.766A>C, p.Arg256= (NM_001407993.1, NM_001408403.1, NM_001408404.1 and 54 more transcripts); c.757A>C, p.Arg253= (NM_001408408.1, NM_001407646.1, NM_001407647.1); c.688A>C, p.Arg230= (NM_001408409.1, NM_001408411.1, NM_001408412.1 and 9 more transcripts); c.625A>C, p.Arg209= (NM_001408410.1, NM_001408452.1, NM_001408453.1 and 43 more transcripts); c.685A>C, p.Arg229= (NM_001408413.1, NM_001408416.1, NM_001407659.1 and 3 more transcripts); c.643A>C, p.Arg215= (NM_001408425.1, NM_001408426.1, NM_001408427.1 and 34 more transcripts); c.640A>C, p.Arg214= (NM_001408432.1, NM_001408433.1, NM_001408434.1 and 20 more transcripts); and 20 more.
Identifiers: ClinVar variation 427300 (VCV000427300.8), dbSNP rs587781833, ClinGen allele CA056716.
Genomic context (GRCh38, chr17:43,094,765, plus strand): 5'-TGCCACATGGCTCCACATGCAAGTTTGAAACAGAACTACCCTGATACTTTTCTGGATGCC[T>G]CTCAGCTGCACGCTTCTCAGTGGTGTTCAAATCATTATTACTGGGTTGATGATGTTCAGT-3'
Protein context (NP_009225.1, residues 246-266): LNTTEKRAAE[Arg256=]HPEKYQGSSV

ClinVar aggregate classification (germline): Likely benign. Review status: reviewed by expert panel (3 of 4 stars). 3 submissions from 3 submitters: Likely benign (1). 2 of the submissions do not count toward it. Last evaluated 2017-06-29.

Conditions:
Hereditary cancer-predisposing syndrome. Also called: Neoplastic Syndromes, Hereditary; Hereditary neoplastic syndrome; Tumor predisposition; Hereditary Cancer Syndrome. Identifiers: Orphanet 140162, MedGen C0027672, MeSH D009386, MONDO:0015356.
Hereditary breast ovarian cancer syndrome. Also called: Hereditary breast and ovarian cancer syndrome (HBOC); BRCA1- and BRCA2-Associated Hereditary Breast and Ovarian Cancer; Hereditary breast and/or ovarian cancer syndrome; Hereditary breast and ovarian cancer syndrome; Hereditary breast and ovarian cancer; Breast and ovarian cancer. Identifiers: Orphanet 145, MedGen C0677776, MeSH D061325, MONDO:0003582. Disease mechanism: loss of function.
Breast-ovarian cancer, familial, susceptibility to, 1 (BROVCA1). Also called: BRCA1 Hereditary Breast and Ovarian Cancer; OVARIAN CANCER, SUSCEPTIBILITY TO. Identifiers: Orphanet 145, MedGen C2676676, MONDO:0011450, OMIM 604370. Disease mechanism: loss of function.

Allele frequency attached by ClinVar (database versions not stated): ExAC 0.00001; gnomAD exomes 0.00001.
gnomAD v4.1: 3 of 1,611,556 alleles (0.00019%); highest among the groups gnomAD compares: South Asian, 0.0033%; no homozygotes.

Submissions (3):

Evidence-based Network for the Interpretation of Germline Mutant Alleles (ENIGMA)
Classification: Likely benign for Breast-ovarian cancer, familial, susceptibility to, 1. Last evaluated: 2017-06-29. Review status: reviewed by expert panel. Criteria: ENIGMA BRCA1/2 Classification Criteria (2017-06-29). Collection method: curation. Allele origin: germline.
Comment: Synonymous substitution variant, with low bioinformatic likelihood to result in a splicing aberration (Splicing prior probability 0.02).

Color Diagnostics, LLC DBA Color Health
Classification: Likely benign for Hereditary cancer-predisposing syndrome. Last evaluated: 2025-05-25. Review status: criteria provided, single submitter. Criteria: ACMG Guidelines, 2015. Collection method: clinical testing. Allele origin: germline. Not counted in ClinVar's aggregate classification.

Labcorp Genetics (formerly Invitae), Labcorp
Classification: Likely benign for Hereditary breast ovarian cancer syndrome. Last evaluated: 2023-08-28. Review status: criteria provided, single submitter. Criteria: Invitae Variant Classification Sherloc (09022015). Collection method: clinical testing. Allele origin: germline. Not counted in ClinVar's aggregate classification.